The following is an entry in ClinVar:

NM_000827.4(GRIA1):c.1129C>T (p.Arg377Ter)

Gene: GRIA1 (glutamate ionotropic receptor AMPA type subunit 1; plus strand). Cytogenetic location: 5q33.2.
Variant type: single nucleotide variant.
Coding change: c.1129C>T on transcript NM_000827.4 (MANE Select); coding-DNA position 1129, C replaced by T.
Protein change: p.Arg377Ter; replaces arginine 377 with a stop codon.
Molecular consequence: nonsense. On other transcripts: non-coding transcript variant (2).
Genome position (GRCh38, 1-based): chr5:153,686,324, C>T. VCF-style: chr5-153686324-C-T. GRCh37 (hg19) VCF-style: chr5-153065884-C-T.
Other names: c.1129C>T (NM_001114183.1); c.1129C>T, p.Arg377Ter (NM_001114183.2); c.889C>T, p.Arg297Ter (NM_001258019.2); c.844C>T, p.Arg282Ter (NM_001258020.2); c.1159C>T, p.Arg387Ter (NM_001258021.2, NM_001258022.2); c.922C>T, p.Arg308Ter (NM_001258023.1, NM_001364167.2); c.961C>T, p.Arg321Ter (NM_001364165.2); c.1156C>T, p.Arg386Ter (NM_001364166.2); short protein forms R377*, R282*, R297*, R308*, R321*, R386*, R387*.
Identifiers: ClinVar variation 1693467 (VCV001693467.4), dbSNP rs1173036683, ClinGen allele CA361903773.

ClinVar aggregate classification (germline): Pathogenic. Review status: criteria provided, single submitter (1 of 4 stars). 2 submissions from 2 submitters: Pathogenic (1). 1 of the submissions does not count toward it. Last evaluated 2025-06-09.

Conditions:
Intellectual developmental disorder, autosomal recessive 76 (MRT76). Also called: MENTAL RETARDATION, AUTOSOMAL RECESSIVE 76. Identifiers: MedGen C5677007, MONDO:0030968, OMIM 619931.

Allele frequency attached by ClinVar (database versions not stated): gnomAD exomes below 0.00001.
gnomAD v4.1: 2 of 1,612,248 alleles (0.00012%); highest among the groups gnomAD compares: East Asian, 0.0022%; no homozygotes.

Submissions (2):

GeneDx
Classification: Pathogenic. Last evaluated: 2025-06-09. Review status: criteria provided, single submitter. Criteria: GeneDx Variant Classification Process June 2021. Collection method: clinical testing. Allele origin: germline. Affected: yes.
Comment: Nonsense variant predicted to result in protein truncation or nonsense mediated decay in a gene or region of a gene for which loss of function is not a well-established mechanism of disease; Published functional studies demonstrate that R377* leads to complete loss of GRIA1 function (PMID: 35675825); Not observed at significant frequency in large population cohorts (gnomAD); This variant is associated with the following publications: (PMID: 35675825)

OMIM
Classification: Pathogenic for INTELLECTUAL DEVELOPMENTAL DISORDER, AUTOSOMAL RECESSIVE 76 (1 patient). Last evaluated: 2024-01-29. Review status: no assertion criteria provided. Collection method: literature only. Allele origin: germline. Not counted in ClinVar's aggregate classification.

Literature cited by the submitters: PubMed 35675825 (cited by OMIM); Baralle, D. Personal Communication. 2024. Southampton, England (cited by OMIM).